The following is an entry in ClinVar:

ClinVar aggregate classification (germline): Likely benign. Review status: criteria provided, multiple submitters, no conflicts (2 of 4 stars). 5 submissions from 5 submitters: Likely benign (2). 3 of the submissions do not count toward it. Last evaluated 2024-11-25.

Conditions:
Neuropathy, hereditary sensory, type 2C. Also called: KIF1A-Related HSAN2 (HSAN2C); Hereditary sensory and autonomic neuropathy type IIC. Identifiers: Orphanet 970, MedGen C3280168, MONDO:0013634, OMIM 614213.
Hereditary spastic paraplegia 30. Identifiers: Orphanet 101010, MedGen C5235139, MONDO:0012476.
Intellectual disability, autosomal dominant 9 (NESCAVS). Also called: NESCAV SYNDROME; KIF1A-Related Neurodevelopmental Disorder. Identifiers: Orphanet 662367, MedGen C5393830, MONDO:0013656, OMIM 614255.
KIF1A-related disorder. Also called: KIF1A-related disorders; KIF1A-related condition.

Allele frequency attached by ClinVar (database versions not stated): gnomAD exomes 0.00230.

Submissions (5):

Blueprint Genetics
Classification: Likely benign. Last evaluated: 2024-11-25. Review status: criteria provided, single submitter. Criteria: ACMG Guidelines, 2015. Collection method: clinical testing. Allele origin: germline.

Labcorp Genetics (formerly Invitae), Labcorp
Classification: Likely benign for Spastic paraplegia 30, autosomal recessive; Hereditary sensory and autonomic neuropathy type IIC; Mental retardation, autosomal dominant 9. Last evaluated: 2019-12-31. Review status: criteria provided, single submitter. Criteria: Invitae Variant Classification Sherloc (09022015). Collection method: clinical testing. Allele origin: germline.

PreventionGenetics, part of Exact Sciences
Classification: Likely benign for KIF1A-related condition. Last evaluated: 2020-01-27. Review status: no assertion criteria provided. Collection method: clinical testing. Allele origin: germline. Not counted in ClinVar's aggregate classification.
Comment: This variant is classified as likely benign based on ACMG/AMP sequence variant interpretation guidelines (Richards et al. 2015 PMID: 25741868, with internal and published modifications).

Clinical Genetics DNA and cytogenetics Diagnostics Lab, Erasmus MC, Erasmus Medical Center
Classification: Likely benign. Review status: no assertion criteria provided. Collection method: clinical testing. Allele origin: germline. Affected: yes. Study: VKGL Data-share Consensus. Not counted in ClinVar's aggregate classification.

Laboratory of Diagnostic Genome Analysis, Leiden University Medical Center (LUMC)
Classification: Likely benign. Review status: no assertion criteria provided. Collection method: clinical testing. Allele origin: germline. Affected: yes. Study: VKGL Data-share Consensus. Not counted in ClinVar's aggregate classification.

NM_001244008.2(KIF1A):c.363+7A>G

Gene: KIF1A (kinesin family member 1A; minus strand). Cytogenetic location: 2q37.3.
Variant type: single nucleotide variant.
Coding change: c.363+7A>G on transcript NM_001244008.2 (MANE Select); 7 bases into the intron after coding-DNA position 363, A replaced by G.
Molecular consequence: intron variant.
Genome position (GRCh38, 1-based): chr2:240,788,044, T>C on the plus strand (A>G on the coding strand, the complement: KIF1A is on the minus strand). VCF-style: chr2-240788044-T-C. GRCh37 (hg19) VCF-style: chr2-241727461-T-C.
Other names: c.363+7A>G (NM_001379653.1, NM_001379650.1, NM_001379645.1 and 21 more transcripts).
Identifiers: ClinVar variation 702325 (VCV000702325.9), dbSNP rs1396977726, ClinGen allele CA540753300.